The following is an entry in ClinVar:

ClinVar aggregate classification (germline): Uncertain significance (1 of 4 stars; one submission).

Conditions:
Hereditary cancer-predisposing syndrome. Also called: Neoplastic Syndromes, Hereditary; Tumor predisposition; Hereditary neoplastic syndrome; Hereditary Cancer Syndrome. Identifiers: Orphanet 140162, MedGen C0027672, MeSH D009386, MONDO:0015356.

Submission:

Ambry Genetics
Classification: Uncertain significance for Hereditary cancer-predisposing syndrome. Last evaluated: 2023-10-01. Review status: criteria provided, single submitter. Criteria: Ambry Variant Classification Scheme 2023. Collection method: clinical testing. Allele origin: germline.
Comment: The p.S466F variant (also known as c.1397C>T), located in coding exon 4 of the PALB2 gene, results from a C to T substitution at nucleotide position 1397. The serine at codon 466 is replaced by phenylalanine, an amino acid with highly dissimilar properties. This amino acid position is conserved. In addition, this alteration is predicted to be tolerated by in silico analysis. Since supporting evidence is limited at this time, the clinical significance of this alteration remains unclear.

NM_024675.4(PALB2):c.1397C>T (p.Ser466Phe)

Gene: PALB2 (partner and localizer of BRCA2; minus strand). Cytogenetic location: 16p12.2.
Variant type: single nucleotide variant.
Coding change: c.1397C>T on transcript NM_024675.4 (MANE Select); coding-DNA position 1397, C replaced by T.
Protein change: p.Ser466Phe; replaces serine 466 with phenylalanine.
Molecular consequence: missense variant. On other transcripts: intron variant (3).
Genome position (GRCh38, 1-based): chr16:23,635,149, G>A on the plus strand (C>T on the coding strand, the complement: PALB2 is on the minus strand). VCF-style: chr16-23635149-G-A. GRCh37 (hg19) VCF-style: chr16-23646470-G-A.
Other names: c.1337C>T, p.Ser446Phe (NM_001407296.1); c.1397C>T, p.Ser466Phe (NM_001407297.1, NM_001407298.1, NM_001407299.1 and 3 more transcripts); c.512C>T, p.Ser171Phe (NM_001407304.1, NM_001407305.1, NM_001407306.1 and 5 more transcripts); c.49-5874C>T (NM_001407314.1); c.-104-4680C>T (NM_001407313.1, NM_001407312.1); short protein forms S171F, S446F, S466F.
Identifiers: ClinVar variation 3227988 (VCV003227988.1), dbSNP rs2142417233, ClinGen allele CA395131351.